The following is an entry in ClinVar:

NM_003235.5(TG):c.7342C>T (p.Gln2448Ter)

Genes: SLA (Src like adaptor; minus strand), TG (thyroglobulin; plus strand). Cytogenetic location: 8q24.22.
Variant type: single nucleotide variant.
Coding change: c.7342C>T on transcript NM_003235.5 (MANE Select); coding-DNA position 7342, C replaced by T.
Protein change: p.Gln2448Ter; replaces glutamine 2448 with a stop codon.
Molecular consequence: nonsense. On other transcripts: intron variant (4).
Genome position (GRCh38, 1-based): chr8:133,095,146, C>T. VCF-style: chr8-133095146-C-T. GRCh37 (hg19) VCF-style: chr8-134107390-C-T.
Other names: c.-264+7407G>A (NM_001282965.2); c.11+7407G>A (NM_001282964.2, NM_001045557.3); c.-319+7407G>A (NM_001045556.3); short protein forms Q2448*.
Identifiers: ClinVar variation 2710858 (VCV002710858.3), dbSNP rs2537570064, ClinGen allele CA372244466.

ClinVar aggregate classification (germline): Pathogenic (1 of 4 stars; one submission).

Allele frequency attached by ClinVar (database versions not stated): gnomAD exomes below 0.00001.
gnomAD v4.1: 1 of 1,614,244 alleles (0.000062%); highest among the groups gnomAD compares: Non-Finnish European, 0.000085%; no homozygotes.

Submission:

Labcorp Genetics (formerly Invitae), Labcorp
Classification: Pathogenic. Last evaluated: 2024-01-22. Review status: criteria provided, single submitter. Criteria: Invitae Variant Classification Sherloc (09022015). Collection method: clinical testing. Allele origin: germline.
Comment: This sequence change creates a premature translational stop signal (p.Gln2448*) in the TG gene. It is expected to result in an absent or disrupted protein product. Loss-of-function variants in TG are known to be pathogenic (PMID: 19837936, 23164529). This variant is not present in population databases (gnomAD no frequency). This variant has not been reported in the literature in individuals affected with TG-related conditions. For these reasons, this variant has been classified as Pathogenic.

Literature cited by the submitters: PubMed 19837936; PubMed 23164529.